The following is an entry in ClinVar:

ClinVar aggregate classification (germline): Uncertain significance (1 of 4 stars; one submission).

Submission:

Labcorp Genetics (formerly Invitae), Labcorp
Classification: Uncertain significance. Last evaluated: 2022-04-17. Review status: criteria provided, single submitter. Criteria: Invitae Variant Classification Sherloc (09022015). Collection method: clinical testing. Allele origin: germline.
Comment: In summary, the available evidence is currently insufficient to determine the role of this variant in disease. Therefore, it has been classified as a Variant of Uncertain Significance. Algorithms developed to predict the effect of missense changes on protein structure and function are either unavailable or do not agree on the potential impact of this missense change (SIFT: "Deleterious"; PolyPhen-2: "Probably Damaging"; Align-GVGD: "Class C0"). This variant has not been reported in the literature in individuals affected with OCA2-related conditions. This variant is not present in population databases (gnomAD no frequency). This sequence change replaces tyrosine, which is neutral and polar, with cysteine, which is neutral and slightly polar, at codon 770 of the OCA2 protein (p.Tyr770Cys).

NM_000275.3(OCA2):c.2309A>G (p.Tyr770Cys)

Gene: OCA2 (OCA2 melanosomal transmembrane protein; minus strand). Cytogenetic location: 15q13.1.
Variant type: single nucleotide variant.
Coding change: c.2309A>G on transcript NM_000275.3 (MANE Select); coding-DNA position 2309, A replaced by G.
Protein change: p.Tyr770Cys; replaces tyrosine 770 with cysteine.
Molecular consequence: missense variant.
Genome position (GRCh38, 1-based): chr15:27,851,411, T>C on the plus strand (A>G on the coding strand, the complement: OCA2 is on the minus strand). VCF-style: chr15-27851411-T-C. GRCh37 (hg19) VCF-style: chr15-28096557-T-C.
Other names: c.2237A>G, p.Tyr746Cys (NM_001300984.2); short protein forms Y746C, Y770C.
Identifiers: ClinVar variation 2127437 (VCV002127437.4), dbSNP rs2505279325, ClinGen allele CA391360024.
Genomic context (GRCh38, chr15:27,851,411, plus strand): 5'-CCCCACCCCCATGCAGTCAGCAGCCCCTTACCTCCCAGGCAAGCACCGAAGGCCAGGGCA[T>C]ACATGAGCGGCGGTGCGGGCAGGCCAACCTCAGGGTCGTGGCTCAGGTTCAGGAGCACGG-3'
Protein context (NP_000266.2, residues 760-780): EVGLPAPPLM[Tyr770Cys]ALAFGACLGG